The following is an entry in ClinVar:

ClinVar aggregate classification (germline): Conflicting classifications of pathogenicity. Review status: criteria provided, conflicting classifications (1 of 4 stars). 3 submissions from 3 submitters: Likely pathogenic (1); Uncertain significance (2). Last evaluated 2026-01-26.

Conditions:
Hereditary cancer-predisposing syndrome. Also called: Tumor predisposition; Neoplastic Syndromes, Hereditary; Hereditary neoplastic syndrome; Hereditary Cancer Syndrome. Identifiers: Orphanet 140162, MedGen C0027672, MeSH D009386, MONDO:0015356.

Submissions (3):

Labcorp Genetics (formerly Invitae), Labcorp
Classification: Uncertain significance. Last evaluated: 2026-01-26. Review status: criteria provided, single submitter. Criteria: Invitae Variant Classification Sherloc (09022015). Collection method: clinical testing. Allele origin: germline.
Comment: This sequence change replaces cysteine, which is neutral and slightly polar, with arginine, which is basic and polar, at codon 377 of the FH protein (p.Cys377Arg). This variant is not present in population databases (gnomAD no frequency). This variant has not been reported in the literature in individuals affected with FH-related conditions. ClinVar contains an entry for this variant (Variation ID: 92449). Invitae Evidence Modeling of protein sequence and biophysical properties (such as structural, functional, and spatial information, amino acid conservation, physicochemical variation, residue mobility, and thermodynamic stability) indicates that this missense variant is expected to disrupt FH protein function with a positive predictive value of 95%. In summary, the available evidence is currently insufficient to determine the role of this variant in disease. Therefore, it has been classified as a Variant of Uncertain Significance.

Ambry Genetics
Classification: Likely pathogenic for Hereditary cancer-predisposing syndrome. Last evaluated: 2025-12-09. Review status: criteria provided, single submitter. Criteria: Ambry Variant Classification Scheme 2023. Collection method: clinical testing. Allele origin: germline.
Comment: The p.C377R variant (also known as c.1129T>C), located in coding exon 8 of the FH gene, results from a T to C substitution at nucleotide position 1129. The cysteine at codon 377 is replaced by arginine, an amino acid with highly dissimilar properties. This alteration has been observed in at least one individual with a personal and/or family history that is consistent with FH-associated disease (Ambry internal data). Based on internal structural analysis, this variant is anticipated to result in a significant decrease in structural stability of the FH Central domain (Ambry internal data; Ajalla Aleixo MA et al. FEBS J, 2019 05;286:1925-1940). This amino acid position is highly conserved in available vertebrate species. In addition, this alteration is predicted to be deleterious by in silico analysis. This variant was not reported in population-based cohorts in the Genome Aggregation Database (gnomAD). Based on the majority of available evidence to date, this variant is likely to be pathogenic.

Eurofins Ntd Llc (ga)
Classification: Uncertain significance. Last evaluated: 2013-11-15. Review status: criteria provided, single submitter. Criteria: EGL Classification Definitions 2015. Collection method: clinical testing. Allele origin: germline. Observed: 1 variant allele, 1 heterozygote.

Literature cited by the submitters: PubMed 30761759 (cited by Ambry Genetics).

NM_000143.4(FH):c.1129T>C (p.Cys377Arg)

Gene: FH (fumarate hydratase; minus strand). Cytogenetic location: 1q43.
Variant type: single nucleotide variant.
Coding change: c.1129T>C on transcript NM_000143.4 (MANE Select); coding-DNA position 1129, T replaced by C.
Protein change: p.Cys377Arg; replaces cysteine 377 with arginine.
Molecular consequence: missense variant.
Genome position (GRCh38, 1-based): chr1:241,502,550, A>G on the plus strand (T>C on the coding strand, the complement: FH is on the minus strand). VCF-style: chr1-241502550-A-G. GRCh37 (hg19) VCF-style: chr1-241665850-A-G.
Identifiers: ClinVar variation 92449 (VCV000092449.9), dbSNP rs398123161, ClinGen allele CA220376.
Genomic context (GRCh38, chr1:241,502,550, plus strand): 5'-CGACAGTGACAGCAACATGGTTCCCCATGACTTGGGCTGCAACCATGGTCATTGCTTCAC[A>G]CTGAGTAGGGTTCACCTTGCCTTCAAGAAAACCACCAATGACAGAGTAAAGACTAAATTT-3'
Protein context (NP_000134.2, residues 367-387): IMPGKVNPTQ[Cys377Arg]EAMTMVAAQV